The following is an entry in ClinVar:

ClinVar aggregate classification (germline): Uncertain significance (1 of 4 stars; one submission).

Submission:

Dasa
Classification: Uncertain significance. Last evaluated: 2025-03-02. Review status: criteria provided, single submitter. Criteria: DASA Assertion Criteria. Collection method: clinical testing. Allele origin: germline.
Comment: NM_001375524.1(TRRAP):c.2174C>G (p.Ala725Gly) is a missense variant that results in the substitution of alanine with glycine. This variant is absent from population databases. Computational prediction algorithms are consistent with a benign effect. The currently available literature and clinical evidence are not sufficient to establish a definitive association between this variant and the reported condition. Therefore, this variant is classified as a variant of uncertain significance.

NM_001375524.1(TRRAP):c.2174C>G (p.Ala725Gly)

Gene: TRRAP (transformation/transcription domain associated protein; plus strand). Cytogenetic location: 7q22.1.
Variant type: single nucleotide variant.
Coding change: c.2174C>G on transcript NM_001375524.1 (MANE Select); coding-DNA position 2174, C replaced by G.
Protein change: p.Ala725Gly; replaces alanine 725 with glycine.
Molecular consequence: missense variant.
Genome position (GRCh38, 1-based): chr7:98,912,188, C>G. VCF-style: chr7-98912188-C-G. GRCh37 (hg19) VCF-style: chr7-98509811-C-G.
Other names: c.2174C>G, p.Ala725Gly (NM_001244580.2, NM_003496.4); short protein forms A725G.
Identifiers: ClinVar variation 4881318 (VCV004881318.2).
Genomic context (GRCh38, chr7:98,912,188, plus strand): 5'-AGCTCTCCAACCTGTACCTCAAGCTGTTCAAGCTGGTCTTTGGCTCTGTCTCCCTCTTTG[C>G]AGCTGAAAATGAACAAATGCTGAAGGTAAAGTCCATTTAATCTAAGTAGTGCTTCTGTTC-3'
Protein context (NP_001362453.1, residues 715-735): KLVFGSVSLF[Ala725Gly]AENEQMLKPH